The following is an entry in ClinVar:

ClinVar aggregate classification (germline): Uncertain significance (1 of 4 stars; one submission).

Submission:

Ambry Genetics
Classification: Uncertain significance. Last evaluated: 2026-03-22. Review status: criteria provided, single submitter. Criteria: Ambry Variant Classification Scheme 2023. Collection method: clinical testing. Allele origin: germline.
Comment: The p.L1398V variant (also known as c.4192C>G), located in coding exon 38 of the KIF1B gene, results from a C to G substitution at nucleotide position 4192. The leucine at codon 1398 is replaced by valine, an amino acid with highly similar properties. This amino acid position is conserved. In addition, this alteration is predicted to be deleterious by in silico analysis. Based on the available evidence, the clinical significance of this variant remains unclear.

NM_001365951.3(KIF1B):c.4330C>G (p.Leu1444Val)

Gene: KIF1B (kinesin family member 1B; plus strand). Cytogenetic location: 1p36.22.
Variant type: single nucleotide variant.
Coding change: c.4330C>G on transcript NM_001365951.3 (MANE Select); coding-DNA position 4330, C replaced by G.
Protein change: p.Leu1444Val; replaces leucine 1444 with valine.
Molecular consequence: missense variant.
Genome position (GRCh38, 1-based): chr1:10,363,308, C>G. VCF-style: chr1-10363308-C-G. GRCh37 (hg19) VCF-style: chr1-10423366-C-G.
Other names: c.4330C>G, p.Leu1444Val (NM_001365952.1); c.4192C>G, p.Leu1398Val (NM_015074.3); short protein forms L1398V, L1444V.
Identifiers: ClinVar variation 4858820 (VCV004858820.1).
Genomic context (GRCh38, chr1:10,363,308, plus strand): 5'-AGAGATTAAACAATTGTTTTATTTTCTTCAAATAGGAATCGAGTCACTGGCATTTACGAA[C>G]TCAGCTTATGCAAAATGTCAGACACAGGTAGTCCAGGTAAGCTCTTGTGGATTGAGGAGG-3'
Protein context (NP_001352880.1, residues 1434-1454): DSNRVTGIYE[Leu1444Val]SLCKMSDTGS